The following is an entry in ClinVar:

NM_004370.6(COL12A1):c.5837C>T (p.Thr1946Ile)

Gene: COL12A1 (collagen type XII alpha 1 chain; minus strand). Cytogenetic location: 6q13.
Variant type: single nucleotide variant.
Coding change: c.5837C>T on transcript NM_004370.6 (MANE Select); coding-DNA position 5837, C replaced by T.
Protein change: p.Thr1946Ile; replaces threonine 1946 with isoleucine.
Molecular consequence: missense variant.
Genome position (GRCh38, 1-based): chr6:75,132,040, G>A on the plus strand (C>T on the coding strand, the complement: COL12A1 is on the minus strand). VCF-style: chr6-75132040-G-A. GRCh37 (hg19) VCF-style: chr6-75841756-G-A.
Other names: c.2345C>T, p.Thr782Ile (NM_080645.3); c.5837C>T (NM_004370.5); short protein forms T782I, T1946I.
Identifiers: ClinVar variation 1352840 (VCV001352840.7), dbSNP rs2149385416, ClinGen allele CA364733045.

ClinVar aggregate classification (germline): Uncertain significance. Review status: criteria provided, multiple submitters, no conflicts (2 of 4 stars). 2 submissions from 2 submitters: Uncertain significance (2). Last evaluated 2025-08-12.

Conditions:
Inborn genetic diseases. Identifiers: MedGen C0950123, MeSH D030342.
Ullrich congenital muscular dystrophy 2 (UCMD2). Identifiers: Orphanet 75840, MedGen C4225314, MONDO:0014654, OMIM 616470.
Bethlem myopathy 2 (BTHLM2). Identifiers: Orphanet 536516, Orphanet 610, MedGen C4225313, MONDO:0034022, OMIM 616471.

Submissions (2):

Ambry Genetics
Classification: Uncertain significance for Inborn genetic diseases. Last evaluated: 2025-08-12. Review status: criteria provided, single submitter. Criteria: Ambry Variant Classification Scheme 2023. Collection method: clinical testing. Allele origin: germline.

Labcorp Genetics (formerly Invitae), Labcorp
Classification: Uncertain significance for Bethlem myopathy 2; Ullrich congenital muscular dystrophy 2. Last evaluated: 2021-12-23. Review status: criteria provided, single submitter. Criteria: Invitae Variant Classification Sherloc (09022015). Collection method: clinical testing. Allele origin: germline.
Comment: This sequence change replaces threonine, which is neutral and polar, with isoleucine, which is neutral and non-polar, at codon 1946 of the COL12A1 protein (p.Thr1946Ile). This variant is not present in population databases (gnomAD no frequency). This variant has not been reported in the literature in individuals affected with COL12A1-related conditions. Algorithms developed to predict the effect of missense changes on protein structure and function are either unavailable or do not agree on the potential impact of this missense change (SIFT: "Deleterious"; PolyPhen-2: "Possibly Damaging"; Align-GVGD: "Class C0"). In summary, the available evidence is currently insufficient to determine the role of this variant in disease. Therefore, it has been classified as a Variant of Uncertain Significance.